The following is an entry in ClinVar:

NM_019592.7(RNF20):c.247C>T (p.Gln83Ter)

Gene: RNF20 (ring finger protein 20; plus strand). Cytogenetic location: 9q31.1.
Variant type: single nucleotide variant.
Coding change: c.247C>T on transcript NM_019592.7 (MANE Select); coding-DNA position 247, C replaced by T.
Protein change: p.Gln83Ter; replaces glutamine 83 with a stop codon.
Molecular consequence: nonsense.
Genome position (GRCh38, 1-based): chr9:101,540,320, C>T. VCF-style: chr9-101540320-C-T. GRCh37 (hg19) VCF-style: chr9-104302602-C-T.
Other names: short protein forms Q83*.
Identifiers: ClinVar variation 135634 (VCV000135634.2), dbSNP rs367537997, ClinGen allele CA232422.

ClinVar aggregate classification (germline): not provided (0 of 4 stars; one submission).

Submission:

Richard Lifton Laboratory, Yale University School of Medicine
No classification provided. Review status: no classification provided. Collection method: not provided. Allele origin: germline.
Comment: RNF20
ClinVar note: Converted during submission from untested to not provided.